The following is an entry in ClinVar:

NM_001035.3(RYR2):c.10310C>T (p.Ser3437Leu)

Gene: RYR2 (ryanodine receptor 2; plus strand). Cytogenetic location: 1q43.
Variant type: single nucleotide variant.
Coding change: c.10310C>T on transcript NM_001035.3 (MANE Select); coding-DNA position 10310, C replaced by T.
Protein change: p.Ser3437Leu; replaces serine 3437 with leucine.
Molecular consequence: missense variant.
Genome position (GRCh38, 1-based): chr1:237,711,824, C>T. VCF-style: chr1-237711824-C-T. GRCh37 (hg19) VCF-style: chr1-237875124-C-T.
Other names: short protein forms S3437L.
Identifiers: ClinVar variation 2095115 (VCV002095115.4), dbSNP rs2547427597, ClinGen allele CA345412770.

ClinVar aggregate classification (germline): Uncertain significance (1 of 4 stars; one submission).

Conditions:
Catecholaminergic polymorphic ventricular tachycardia 1. Also called: RYR2-Related Catecholaminergic Polymorphic Ventricular Tachycardia; VENTRICULAR TACHYCARDIA, STRESS-INDUCED POLYMORPHIC 1; VENTRICULAR TACHYCARDIA, CATECHOLAMINERGIC POLYMORPHIC, 1, WITH OR WITHOUT ATRIAL DYSFUNCTION AND/OR DILATED CARDIOMYOPATHY. Identifiers: Orphanet 3286, MedGen C1631597, MONDO:0011484, OMIM 604772.

Submission:

Labcorp Genetics (formerly Invitae), Labcorp
Classification: Uncertain significance for Catecholaminergic polymorphic ventricular tachycardia 1. Last evaluated: 2022-07-13. Review status: criteria provided, single submitter. Criteria: Invitae Variant Classification Sherloc (09022015). Collection method: clinical testing. Allele origin: germline.
Comment: This sequence change replaces serine, which is neutral and polar, with leucine, which is neutral and non-polar, at codon 3437 of the RYR2 protein (p.Ser3437Leu). This variant is not present in population databases (gnomAD no frequency). This variant has not been reported in the literature in individuals affected with RYR2-related conditions. Algorithms developed to predict the effect of missense changes on protein structure and function are either unavailable or do not agree on the potential impact of this missense change (SIFT: "Deleterious"; PolyPhen-2: "Benign"; Align-GVGD: "Class C65"). In summary, the available evidence is currently insufficient to determine the role of this variant in disease. Therefore, it has been classified as a Variant of Uncertain Significance.